The following is an entry in ClinVar:

ClinVar aggregate classification (germline): Uncertain significance. Review status: criteria provided, multiple submitters, no conflicts (2 of 4 stars). 2 submissions from 2 submitters: Uncertain significance (2). Last evaluated 2025-05-20.

Conditions:
Inborn genetic diseases. Identifiers: MedGen C0950123, MeSH D030342.

Allele frequency attached by ClinVar (database versions not stated): gnomAD exomes below 0.00001; gnomAD 0.00005 and 0.00006; TOPMed 0.00005.
gnomAD v4.1: 12 of 1,611,316 alleles (0.00074%); highest among the groups gnomAD compares: African/African-American, 0.013%; no homozygotes.

Submissions (2):

Ambry Genetics
Classification: Uncertain significance for Inborn genetic diseases. Last evaluated: 2025-05-20. Review status: criteria provided, single submitter. Criteria: Ambry Variant Classification Scheme 2023. Collection method: clinical testing. Allele origin: germline.

Labcorp Genetics (formerly Invitae), Labcorp
Classification: Uncertain significance. Last evaluated: 2023-12-11. Review status: criteria provided, single submitter. Criteria: Invitae Variant Classification Sherloc (09022015). Collection method: clinical testing. Allele origin: germline.
Comment: This sequence change replaces valine, which is neutral and non-polar, with phenylalanine, which is neutral and non-polar, at codon 1590 of the MPDZ protein (p.Val1590Phe). The frequency data for this variant in the population databases is considered unreliable, as metrics indicate poor data quality at this position in the gnomAD database. This variant has not been reported in the literature in individuals affected with MPDZ-related conditions. ClinVar contains an entry for this variant (Variation ID: 1382471). An algorithm developed to predict the effect of missense changes on protein structure and function (PolyPhen-2) suggests that this variant is likely to be tolerated. In summary, the available evidence is currently insufficient to determine the role of this variant in disease. Therefore, it has been classified as a Variant of Uncertain Significance.

NM_001378778.1(MPDZ):c.4768G>T (p.Val1590Phe)

Gene: MPDZ (multiple PDZ domain crumbs cell polarity complex component; minus strand). Cytogenetic location: 9p23.
Variant type: single nucleotide variant.
Coding change: c.4768G>T on transcript NM_001378778.1 (MANE Select); coding-DNA position 4768, G replaced by T.
Protein change: p.Val1590Phe; replaces valine 1590 with phenylalanine.
Molecular consequence: missense variant.
Genome position (GRCh38, 1-based): chr9:13,125,255, C>A on the plus strand (G>T on the coding strand, the complement: MPDZ is on the minus strand). VCF-style: chr9-13125255-C-A. GRCh37 (hg19) VCF-style: chr9-13125254-C-A.
Other names: c.4768G>T (NM_003829.3); c.4669G>T, p.Val1557Phe (NM_001261406.2, NM_001261407.2, NM_001375416.1 and 3 more transcripts); c.4768G>T, p.Val1590Phe (NM_001330637.2, NM_003829.5); c.4867G>T, p.Val1623Phe (NM_001375413.1); c.4558G>T, p.Val1520Phe (NM_001375420.1, NM_001375421.1, NM_001375422.1 and 4 more transcripts); c.4360G>T, p.Val1454Phe (NM_001375427.1); short protein forms V1557F, V1454F, V1520F, V1590F, V1623F.
Identifiers: ClinVar variation 1382471 (VCV001382471.7), dbSNP rs1486488017, ClinGen allele CA372945988.